The following is an entry in ClinVar:

ClinVar aggregate classification (germline): Uncertain significance. Review status: criteria provided, multiple submitters, no conflicts (2 of 4 stars). 2 submissions from 2 submitters: Uncertain significance (2). Last evaluated 2026-09-30.

gnomAD v4.1: 2 of 1,206,806 alleles (0.00017%); highest among the groups gnomAD compares: Non-Finnish European, 0.00022%; no homozygotes.

Submissions (2):

GeneDx
Classification: Uncertain significance. Last evaluated: 2026-09-30. Review status: criteria provided, single submitter. Criteria: GeneDx Variant Classification Process June 2021. Collection method: clinical testing. Allele origin: germline.
Comment: Observed in hemizygous state in patients with HUWE1-related clinical features referred for genetic testing at GeneDx and not observed in hemizygous state in controls; Not observed at significant frequency in large population cohorts (gnomAD); In silico analysis suggests that this missense variant does not alter protein structure/function; Has not been previously published as pathogenic or benign to our knowledge

Labcorp Genetics (formerly Invitae), Labcorp
Classification: Uncertain significance. Last evaluated: 2022-02-22. Review status: criteria provided, single submitter. Criteria: Invitae Variant Classification Sherloc (09022015). Collection method: clinical testing. Allele origin: germline.
Comment: This variant has not been reported in the literature in individuals affected with HUWE1-related conditions. This sequence change replaces leucine, which is neutral and non-polar, with proline, which is neutral and non-polar, at codon 1700 of the HUWE1 protein (p.Leu1700Pro). This variant is not present in population databases (gnomAD no frequency). Advanced modeling of protein sequence and biophysical properties (such as structural, functional, and spatial information, amino acid conservation, physicochemical variation, residue mobility, and thermodynamic stability) performed at Invitae indicates that this missense variant is not expected to disrupt HUWE1 protein function. In summary, the available evidence is currently insufficient to determine the role of this variant in disease. Therefore, it has been classified as a Variant of Uncertain Significance.

NM_031407.7(HUWE1):c.5099T>C (p.Leu1700Pro)

Gene: HUWE1 (HECT, UBA and WWE domain containing E3 ubiquitin protein ligase 1; minus strand). Cytogenetic location: Xp11.22.
Variant type: single nucleotide variant.
Coding change: c.5099T>C on transcript NM_031407.7 (MANE Select); coding-DNA position 5099, T replaced by C.
Protein change: p.Leu1700Pro; replaces leucine 1700 with proline.
Molecular consequence: missense variant.
Genome position (GRCh38, 1-based): chrX:53,584,248, A>G on the plus strand (T>C on the coding strand, the complement: HUWE1 is on the minus strand). VCF-style: chrX-53584248-A-G. GRCh37 (hg19) VCF-style: chrX-53611208-A-G.
Other names: short protein forms L1700P.
Identifiers: ClinVar variation 1396003 (VCV001396003.10), dbSNP rs2148314375, ClinGen allele CA413174688.